The following is an entry in ClinVar:

ClinVar aggregate classification (germline): Uncertain significance. Review status: criteria provided, multiple submitters, no conflicts (2 of 4 stars). 2 submissions from 2 submitters: Uncertain significance (2). Last evaluated 2023-05-03.

Conditions:
Ataxia-telangiectasia syndrome (AT). Also called: ATAXIA-TELANGIECTASIA, FRESNO VARIANT; Ataxia-telangiectasia, complementation group E; Ataxia telangiectasia (A-T); Cerebello-oculocutaneous telangiectasia; Immunodeficiency with ataxia telangiectasia; LOUIS-BAR SYNDROME. Identifiers: Orphanet 100, MedGen C0004135, MONDO:0008840, OMIM 208900.
Hereditary cancer-predisposing syndrome. Also called: Hereditary Cancer Syndrome; Tumor predisposition; Neoplastic Syndromes, Hereditary; Hereditary neoplastic syndrome. Identifiers: Orphanet 140162, MedGen C0027672, MeSH D009386, MONDO:0015356.

gnomAD v4.1: 2 of 1,612,326 alleles (0.00012%); highest among the groups gnomAD compares: East Asian, 0.0045%; no homozygotes.

Submissions (2):

Labcorp Genetics (formerly Invitae), Labcorp
Classification: Uncertain significance for Ataxia-telangiectasia syndrome. Last evaluated: 2023-05-03. Review status: criteria provided, single submitter. Criteria: Invitae Variant Classification Sherloc (09022015). Collection method: clinical testing. Allele origin: germline.
Comment: In summary, the available evidence is currently insufficient to determine the role of this variant in disease. Therefore, it has been classified as a Variant of Uncertain Significance. An algorithm developed to predict the effect of missense changes on protein structure and function (PolyPhen-2) suggests that this variant is likely to be tolerated. ClinVar contains an entry for this variant (Variation ID: 649248). This missense change has been observed in individual(s) with breast cancer (PMID: 30287823). This variant is not present in population databases (gnomAD no frequency). This sequence change replaces threonine, which is neutral and polar, with serine, which is neutral and polar, at codon 371 of the ATM protein (p.Thr371Ser).

Ambry Genetics
Classification: Uncertain significance for Hereditary cancer-predisposing syndrome. Last evaluated: 2017-11-29. Review status: criteria provided, single submitter. Criteria: Ambry Variant Classification Scheme 2023. Collection method: clinical testing. Allele origin: germline.
Comment: The p.T371S variant (also known as c.1112C>G), located in coding exon 8 of the ATM gene, results from a C to G substitution at nucleotide position 1112. The threonine at codon 371 is replaced by serine, an amino acid with similar properties. This amino acid position is not well conserved in available vertebrate species. In addition, this alteration is predicted to be tolerated by in silico analysis. Since supporting evidence is limited at this time, the clinical significance of this alteration remains unclear.

Literature cited by the submitters: PubMed 30287823 (cited by Labcorp Genetics (formerly Invitae), Labcorp).

NM_000051.4(ATM):c.1112C>G (p.Thr371Ser)

Gene: ATM (ATM serine/threonine kinase; plus strand). Cytogenetic location: 11q22.3.
Variant type: single nucleotide variant.
Coding change: c.1112C>G on transcript NM_000051.4 (MANE Select); coding-DNA position 1112, C replaced by G.
Protein change: p.Thr371Ser; replaces threonine 371 with serine.
Molecular consequence: missense variant.
Genome position (GRCh38, 1-based): chr11:108,248,979, C>G. VCF-style: chr11-108248979-C-G. GRCh37 (hg19) VCF-style: chr11-108119706-C-G.
Other names: c.1112C>G, p.Thr371Ser (NM_001351834.2); short protein forms T371S.
Identifiers: ClinVar variation 649248 (VCV000649248.11), dbSNP rs879254289, ClinGen allele CA382532409.